The following is an entry in ClinVar:

ClinVar aggregate classification (germline): Uncertain significance. Review status: criteria provided, multiple submitters, no conflicts (2 of 4 stars). 2 submissions from 2 submitters: Uncertain significance (2). Last evaluated 2025-07-15.

Conditions:
Peutz-Jeghers syndrome (PJS). Also called: Peutz-Jeghers polyposis; Periorificial lentiginosis syndrome; POLYPOSIS, HAMARTOMATOUS INTESTINAL; POLYPS-AND-SPOTS SYNDROME. Identifiers: Orphanet 2869, MedGen C0031269, MeSH D010580, MONDO:0008280, OMIM 175200.
Hereditary cancer-predisposing syndrome. Also called: Hereditary Cancer Syndrome; Hereditary neoplastic syndrome; Neoplastic Syndromes, Hereditary; Tumor predisposition. Identifiers: Orphanet 140162, MedGen C0027672, MeSH D009386, MONDO:0015356.

Submissions (2):

Color Diagnostics, LLC DBA Color Health
Classification: Uncertain significance for Hereditary cancer-predisposing syndrome. Last evaluated: 2025-07-15. Review status: criteria provided, single submitter. Criteria: ACMG Guidelines, 2015. Collection method: clinical testing. Allele origin: germline.
Comment: This missense variant replaces glycine with valine at codon 215 of the STK11 protein. Computational prediction suggests that this variant may have deleterious impact on protein structure and function. To our knowledge, functional studies have not been reported for this variant. This variant has not been reported in individuals affected with STK11-related disorders in the literature. This variant has not been identified in the general population by the Genome Aggregation Database (gnomAD). The available evidence is insufficient to determine the role of this variant in disease conclusively. Therefore, this variant is classified as a Variant of Uncertain Significance.

Labcorp Genetics (formerly Invitae), Labcorp
Classification: Uncertain significance for Peutz-Jeghers syndrome. Last evaluated: 2023-03-03. Review status: criteria provided, single submitter. Criteria: Invitae Variant Classification Sherloc (09022015). Collection method: clinical testing. Allele origin: germline.
Comment: In summary, the available evidence is currently insufficient to determine the role of this variant in disease. Therefore, it has been classified as a Variant of Uncertain Significance. Algorithms developed to predict the effect of sequence changes on RNA splicing suggest that this variant may create or strengthen a splice site. Advanced modeling of protein sequence and biophysical properties (such as structural, functional, and spatial information, amino acid conservation, physicochemical variation, residue mobility, and thermodynamic stability) performed at Invitae indicates that this missense variant is expected to disrupt STK11 protein function. This variant has not been reported in the literature in individuals affected with STK11-related conditions. This variant is not present in population databases (gnomAD no frequency). This sequence change replaces glycine, which is neutral and non-polar, with valine, which is neutral and non-polar, at codon 215 of the STK11 protein (p.Gly215Val).

NM_000455.5(STK11):c.644G>T (p.Gly215Val)

Gene: STK11 (serine/threonine kinase 11; plus strand). Cytogenetic location: 19p13.3.
Variant type: single nucleotide variant.
Coding change: c.644G>T on transcript NM_000455.5 (MANE Select); coding-DNA position 644, G replaced by T.
Protein change: p.Gly215Val; replaces glycine 215 with valine.
Molecular consequence: missense variant. On other transcripts: non-coding transcript variant (1).
Genome position (GRCh38, 1-based): chr19:1,220,627, G>T. VCF-style: chr19-1220627-G-T. GRCh37 (hg19) VCF-style: chr19-1220626-G-T.
Other names: c.644G>T, p.Gly215Val (NM_001407255.1); short protein forms G215V.
Identifiers: ClinVar variation 2842355 (VCV002842355.4), dbSNP rs1057520038, ClinGen allele CA402949589.